The following is an entry in ClinVar:

ClinVar aggregate classification (germline): Likely benign. Review status: criteria provided, single submitter (1 of 4 stars). 2 submissions from 2 submitters: Likely benign (1). 1 of the submissions does not count toward it. Last evaluated 2018-04-26.

Conditions:
ATP2C2-related disorder. Also called: ATP2C2-related condition.

Allele frequency attached by ClinVar (database versions not stated): ESP Exome Variant Server 0.00016; gnomAD 0.00019; TOPMed 0.00021; 1000 Genomes Project 30x 0.00031; 1000 Genomes Project 0.00040.
gnomAD v4.1: 157 of 1,614,098 alleles (0.0097%); highest among the groups gnomAD compares: African/African-American, 0.048%; no homozygotes.

Submissions (2):

Labcorp Genetics (formerly Invitae), Labcorp
Classification: Likely benign. Last evaluated: 2018-04-26. Review status: criteria provided, single submitter. Criteria: Invitae Variant Classification Sherloc (09022015). Collection method: clinical testing. Allele origin: germline.

PreventionGenetics, part of Exact Sciences
Classification: Likely benign for ATP2C2-related condition. Last evaluated: 2019-09-10. Review status: no assertion criteria provided. Collection method: clinical testing. Allele origin: germline. Not counted in ClinVar's aggregate classification.
Comment: This variant is classified as likely benign based on ACMG/AMP sequence variant interpretation guidelines (Richards et al. 2015 PMID: 25741868, with internal and published modifications).

NM_014861.4(ATP2C2):c.2634C>T (p.Ser878=)

Genes: ATP2C2 (ATPase secretory pathway Ca2+ transporting 2; plus strand), ATP2C2-AS1 (ATP2C2 antisense RNA 1; minus strand), LOC126862427 (CDK7 strongly-dependent group 2 enhancer GRCh37_chr16:84494562-84495761; plus strand). Cytogenetic location: 16q24.1.
Variant type: single nucleotide variant.
Coding change: c.2634C>T on transcript NM_014861.4 (MANE Select); coding-DNA position 2634, C replaced by T.
Protein change: p.Ser878=; no amino-acid change (serine 878 retained).
Molecular consequence: synonymous variant. On other transcripts: non-coding transcript variant (1).
Genome position (GRCh38, 1-based): chr16:84,462,041, C>T. VCF-style: chr16-84462041-C-T. GRCh37 (hg19) VCF-style: chr16-84495647-C-T.
Other names: c.2721C>T, p.Ser907= (NM_001286527.3); c.2181C>T, p.Ser727= (NM_001291454.2).
Identifiers: ClinVar variation 743246 (VCV000743246.5), dbSNP rs376545433, ClinGen allele CA8208590.
Genomic context (GRCh38, chr16:84,462,041, plus strand): 5'-CCTGCAGACCAAGCTGATATTTGAGATCGGCTTTCTCAGGAACCACATGTTCCTCTACTC[C>T]GTCCTGGGGTCCATCCTGGGGCAGCTGGCGGTCATTTACATCCCCCCGCTGCAGAGGGTC-3'
Protein context (NP_055676.3, residues 868-888): GFLRNHMFLY[Ser878=]VLGSILGQLA